The following is an entry in ClinVar:

ClinVar aggregate classification (germline): Benign (1 of 4 stars; one submission).

Allele frequency attached by ClinVar (database versions not stated): ESP Exome Variant Server 0.00026; TOPMed 0.00055; 1000 Genomes Project 30x 0.00078; gnomAD 0.00082; 1000 Genomes Project 0.00100; ExAC 0.00197.
gnomAD v4.1: 1,734 of 1,613,364 alleles (0.11%); highest among the groups gnomAD compares: South Asian, 0.99%; 15 homozygotes.

Submission:

CeGaT Center for Human Genetics Tuebingen
Classification: Benign. Last evaluated: 2023-01-01. Review status: criteria provided, single submitter. Criteria: CeGaT Center For Human Genetics Tuebingen Variant Classification Criteria Version 2. Collection method: clinical testing. Allele origin: germline. Affected: yes. Observed: 1 variant allele.
Comment: ABCA13: BP4, BS1, BS2

NM_152701.5(ABCA13):c.7148T>G (p.Ile2383Arg)

Gene: ABCA13 (ATP binding cassette subfamily A member 13; plus strand). Cytogenetic location: 7p12.3.
Variant type: single nucleotide variant.
Coding change: c.7148T>G on transcript NM_152701.5 (MANE Select); coding-DNA position 7148, T replaced by G.
Protein change: p.Ile2383Arg; replaces isoleucine 2383 with arginine.
Molecular consequence: missense variant.
Genome position (GRCh38, 1-based): chr7:48,278,342, T>G. VCF-style: chr7-48278342-T-G. GRCh37 (hg19) VCF-style: chr7-48317939-T-G.
Other names: short protein forms I2383R.
Identifiers: ClinVar variation 2657475 (VCV002657475.24), dbSNP rs200243325, ClinGen allele CA4257486.